The following is an entry in ClinVar:

ClinVar aggregate classification (germline): Benign/Likely benign. Review status: criteria provided, multiple submitters, no conflicts (2 of 4 stars). 4 submissions from 4 submitters: Benign (2); Likely benign (2). Last evaluated 2025-05-28.

Conditions:
Tuberous sclerosis syndrome (TSC). Also called: Tuberous Sclerosis Complex; Tuberous sclerosis. Identifiers: Orphanet 805, MedGen C0041341, MONDO:0001734.
Hereditary cancer-predisposing syndrome. Also called: Hereditary neoplastic syndrome; Neoplastic Syndromes, Hereditary; Tumor predisposition; Hereditary Cancer Syndrome. Identifiers: Orphanet 140162, MedGen C0027672, MeSH D009386, MONDO:0015356.
Tuberous sclerosis 2 (TSC2). Identifiers: Orphanet 805, MedGen C1860707, MONDO:0013199, OMIM 613254.

Allele frequency attached by ClinVar (database versions not stated): gnomAD exomes below 0.00001 and 0.00001; gnomAD 0.00001.
gnomAD v4.1: 8 of 1,612,746 alleles (0.0005%); highest among the groups gnomAD compares: Admixed American, 0.0017%; no homozygotes.

Submissions (4):

Myriad Genetics, Inc.
Classification: Benign for Tuberous sclerosis 2. Last evaluated: 2025-05-28. Review status: criteria provided, single submitter. Criteria: Myriad Autosomal Dominant, Autosomal Recessive and X-Linked Classification Criteria (2023). Collection method: clinical testing. Allele origin: unknown.
Comment: This variant is considered benign. This variant is a silent/synonymous amino acid change and it is not expected to impact splicing.

Labcorp Genetics (formerly Invitae), Labcorp
Classification: Benign for Tuberous sclerosis 2. Last evaluated: 2024-12-26. Review status: criteria provided, single submitter. Criteria: Invitae Variant Classification Sherloc (09022015). Collection method: clinical testing. Allele origin: germline.

All of Us Research Program, National Institutes of Health
Classification: Likely benign for Tuberous sclerosis syndrome. Last evaluated: 2023-06-26. Review status: criteria provided, single submitter. Criteria: ACMG Guidelines, 2015. Collection method: clinical testing. Allele origin: germline. Inheritance: Autosomal dominant inheritance. Observed: 1 variant allele, 1 heterozygote.
Comment: This study involves interpretation of variants in research participants for the purpose of population health screening. Participant phenotype was not available at the time of variant classification. Additional details can be found in publication PMID: 35346344, PMCID: PMC8962531

Ambry Genetics
Classification: Likely benign for Hereditary cancer-predisposing syndrome. Last evaluated: 2022-11-25. Review status: criteria provided, single submitter. Criteria: Ambry Variant Classification Scheme 2023. Collection method: clinical testing. Allele origin: germline.

NM_000548.5(TSC2):c.3216C>T (p.Ser1072=)

Gene: TSC2 (TSC complex subunit 2; plus strand). Cytogenetic location: 16p13.3.
Variant type: single nucleotide variant.
Coding change: c.3216C>T on transcript NM_000548.5 (MANE Select); coding-DNA position 3216, C replaced by T.
Protein change: p.Ser1072=; no amino-acid change (serine 1072 retained).
Molecular consequence: synonymous variant.
Genome position (GRCh38, 1-based): chr16:2,079,360, C>T. VCF-style: chr16-2079360-C-T. GRCh37 (hg19) VCF-style: chr16-2129361-C-T.
Other names: c.3084C>T, p.Ser1028= (NM_001077183.3, NM_001370404.1); c.3216C>T, p.Ser1072= (NM_001114382.3); c.2976C>T, p.Ser992= (NM_001318827.2); c.2940C>T, p.Ser980= (NM_001318829.2); c.2484C>T, p.Ser828= (NM_001318831.2); c.3117C>T, p.Ser1039= (NM_001318832.2); c.3087C>T, p.Ser1029= (NM_001363528.2, NM_001370405.1, NM_021055.3); c.3216C>T (NM_000548.3).
Identifiers: ClinVar variation 1045802 (VCV001045802.12), dbSNP rs1306234469, ClinGen allele CA493042914.
Genomic context (GRCh38, chr16:2,079,360, plus strand): 5'-AGCGGGTGGCAGGACCAAAACCTGGCTGGTTGGGAACAAGCTTGTCACTGTGACGACAAG[C>T]GTGGGAACCGGGACCCGGTCGTTACTAGGCCTGGACTCGGGGGAGCTGCAGTCCGGCCCG-3'
Protein context (NP_000539.2, residues 1062-1082): VGNKLVTVTT[Ser1072=]VGTGTRSLLG